The following is an entry in ClinVar:

NM_004415.4(DSP):c.2316A>T (p.Ala772=)

Gene: DSP (desmoplakin; plus strand). Cytogenetic location: 6p24.3.
Variant type: single nucleotide variant.
Coding change: c.2316A>T on transcript NM_004415.4 (MANE Select); coding-DNA position 2316, A replaced by T.
Protein change: p.Ala772=; no amino-acid change (alanine 772 retained).
Molecular consequence: synonymous variant.
Genome position (GRCh38, 1-based): chr6:7,574,675, A>T. VCF-style: chr6-7574675-A-T. GRCh37 (hg19) VCF-style: chr6-7574908-A-T.
Other names: c.2316A>T (LRG_423t1); c.2316A>T, p.Ala772= (NM_001008844.3, NM_001319034.2).
Identifiers: ClinVar variation 510702 (VCV000510702.16), dbSNP rs754896726, ClinGen allele CA032830.
Genomic context (GRCh38, chr6:7,574,675, plus strand): 5'-TATGTCACTGGCAATTTTATGTGCTTCTTTTGCTCTTTCCAGCTTATGCACAGTAAGGGC[A>T]CTGCTCCAGGCTATTCTCCAAACAGAAGACATGTTAAAGGTTTATGAAGCCAGGCTCACT-3'
Protein context (NP_004406.2, residues 762-782): GYLNSLCTVR[Ala772=]LLQAILQTED

ClinVar aggregate classification (germline): Likely benign. Review status: criteria provided, multiple submitters, no conflicts (2 of 4 stars). 4 submissions from 4 submitters: Likely benign (4). Last evaluated 2025-11-21.

Conditions:
Cardiomyopathy (CMYO). Also called: Cardiomyopathies. Identifiers: Orphanet 167848, MedGen C0878544, MONDO:0004994, HP:0001638. Inheritance: Various modes of inheritance.
Cardiovascular phenotype. Identifiers: MedGen CN230736.
Arrhythmogenic right ventricular dysplasia 8 (ARVD8). Also called: Arrhythmogenic Right Ventricular Dysplasia/Cardiomyopathy 8; ARRHYTHMOGENIC RIGHT VENTRICULAR DYSPLASIA, FAMILIAL, 8; ARRHYTHMOGENIC RIGHT VENTRICULAR CARDIOMYOPATHY 8. Identifiers: MedGen C1843896, MONDO:0011831, OMIM 607450.
Arrhythmogenic cardiomyopathy with wooly hair and keratoderma. Also called: Carvajal syndrome; Dilated cardiomyopathy with woolly hair and keratoderma; Arrhythmogenic cardiomyopathy with woolly hair and keratoderma; PALMOPLANTAR KERATODERMA WITH LEFT VENTRICULAR CARDIOMYOPATHY AND WOOLLY HAIR. Identifiers: Orphanet 65282, MedGen C1854063, MONDO:0011581, OMIM 605676.

Allele frequency attached by ClinVar (database versions not stated): gnomAD 0.00001; TOPMed 0.00002; gnomAD exomes 0.00003; ExAC 0.00005.
gnomAD v4.1: 42 of 1,614,004 alleles (0.0026%); highest among the groups gnomAD compares: East Asian, 0.094%; no homozygotes.

Submissions (4):

Labcorp Genetics (formerly Invitae), Labcorp
Classification: Likely benign for Arrhythmogenic cardiomyopathy with wooly hair and keratoderma; Arrhythmogenic right ventricular dysplasia 8. Last evaluated: 2025-11-21. Review status: criteria provided, single submitter. Criteria: Invitae Variant Classification Sherloc (09022015). Collection method: clinical testing. Allele origin: germline.

Ambry Genetics
Classification: Likely benign for Cardiovascular phenotype. Last evaluated: 2020-10-28. Review status: criteria provided, single submitter. Criteria: Ambry Variant Classification Scheme 2023. Collection method: clinical testing. Allele origin: germline.

Color Diagnostics, LLC DBA Color Health
Classification: Likely benign for Cardiomyopathy. Last evaluated: 2019-03-22. Review status: criteria provided, single submitter. Criteria: ACMG Guidelines, 2015. Collection method: clinical testing. Allele origin: germline.

GeneDx
Classification: Likely benign. Last evaluated: 2017-07-11. Review status: criteria provided, single submitter. Criteria: GeneDx Variant Classification (06012015). Collection method: clinical testing. Allele origin: germline. Affected: yes.
Comment: This variant is considered likely benign or benign based on one or more of the following criteria: it is a conservative change, it occurs at a poorly conserved position in the protein, it is predicted to be benign by multiple in silico algorithms, and/or has population frequency not consistent with disease.